The following is an entry in ClinVar:

NM_001267550.2(TTN):c.16234G>A (p.Ala5412Thr)

Gene: TTN (titin; minus strand). Cytogenetic location: 2q31.2.
Variant type: single nucleotide variant.
Coding change: c.16234G>A on transcript NM_001267550.2 (MANE Select); coding-DNA position 16234, G replaced by A.
Protein change: p.Ala5412Thr; replaces alanine 5412 with threonine.
Molecular consequence: missense variant. On other transcripts: intron variant (3).
Genome position (GRCh38, 1-based): chr2:178,732,942, C>T on the plus strand (G>A on the coding strand, the complement: TTN is on the minus strand). VCF-style: chr2-178732942-C-T. GRCh37 (hg19) VCF-style: chr2-179597669-C-T.
Other names: c.12502G>A, p.Ala4168Thr (NM_133378.4); c.15283G>A, p.Ala5095Thr (NM_001256850.1); c.13282+5140G>A (NM_003319.4); c.13858+5140G>A (NM_133437.4); c.13657+5140G>A (NM_133432.3); short protein forms A4168T, A5412T, A5095T.
Identifiers: ClinVar variation 178255 (VCV000178255.5), dbSNP rs727504442, ClinGen allele CA181930.

ClinVar aggregate classification (germline): Uncertain significance. Review status: criteria provided, multiple submitters, no conflicts (2 of 4 stars). 2 submissions from 2 submitters: Uncertain significance (2). Last evaluated 2022-04-13.

Conditions:
Autosomal recessive limb-girdle muscular dystrophy type 2J (LGMDR10). Also called: MUSCULAR DYSTROPHY, LIMB-GIRDLE, AUTOSOMAL RECESSIVE 10; Limb-girdle muscular dystrophy, type 2J. Identifiers: Orphanet 140922, MedGen C1837342, MONDO:0012127, OMIM 608807.
Tibial muscular dystrophy (TMD). Also called: Tibial muscular dystrophy, tardive; Udd Distal Myopathy – Tibial Muscular Dystrophy; UDD MYOPATHY. Identifiers: Orphanet 609, MedGen C1838244, MONDO:0010870, OMIM 600334.
Myopathy, myofibrillar, 9, with early respiratory failure (MFM9). Also called: Myopathy, distal, with early respiratory failure, autosomal dominant; EDSTROM MYOPATHY; MYOPATHY, PROXIMAL, WITH EARLY RESPIRATORY MUSCLE INVOLVEMENT; Hereditary myopathy with early respiratory failure. Identifiers: Orphanet 178464, Orphanet 34521, MedGen C1863599, MONDO:0011362, OMIM 603689.
Dilated cardiomyopathy 1G (CMD1G). Identifiers: Orphanet 154, MedGen C1858763, MONDO:0011400, OMIM 604145.
Early-onset myopathy with fatal cardiomyopathy (CMYO5). Also called: CONGENITAL MYOPATHY 5 WITH CARDIOMYOPATHY; Salih Myopathy. Identifiers: Orphanet 289377, MedGen C2673677, MONDO:0012714, OMIM 611705. Disease mechanism: loss of function.
Hypertrophic cardiomyopathy 9. Also called: Familial hypertrophic cardiomyopathy 9. Identifiers: MedGen C1861065, MONDO:0013412, OMIM 613765.

Allele frequency attached by ClinVar (database versions not stated): gnomAD exomes below 0.00001 and 0.00001; ExAC 0.00001; gnomAD 0.00003 and 0.00004; TOPMed 0.00004.
gnomAD v4.1: 8 of 1,613,476 alleles (0.0005%); highest among the groups gnomAD compares: African/African-American, 0.008%; no homozygotes.

Submissions (2):

Fulgent Genetics
Classification: Uncertain significance for Tibial muscular dystrophy; Myopathy, myofibrillar, 9, with early respiratory failure; Dilated cardiomyopathy 1G; Autosomal recessive limb-girdle muscular dystrophy type 2J; Early-onset myopathy with fatal cardiomyopathy; Hypertrophic cardiomyopathy 9. Last evaluated: 2022-04-13. Review status: criteria provided, single submitter. Criteria: ACMG Guidelines, 2015. Collection method: clinical testing. Allele origin: unknown.

Laboratory for Molecular Medicine, Mass General Brigham Personalized Medicine
Classification: Uncertain significance. Last evaluated: 2014-01-02. Review status: criteria provided, single submitter. Criteria: LMM Criteria. Collection method: clinical testing. Allele origin: germline. Observed: 1 variant allele.
Comment: The Ala4168Thr variant in TTN has not been reported in individuals with cardiomyopathy or in large population studies. Evolutionary conservation and computational predictions are limited or not available for this variant. Additional information is needed to fully assess its clinical significance.